The following is an entry in ClinVar:

NM_014727.3(KMT2B):c.1227_1231dup (p.Pro411fs)

Gene: KMT2B (lysine methyltransferase 2B; plus strand). Cytogenetic location: 19q13.12.
Variant type: Duplication.
Coding change: c.1227_1231dup on transcript NM_014727.3 (MANE Select); coding-DNA positions 1227 to 1231, 5 bases duplicated (AGCCC; older notation c.1227_1231dupAGCCC).
Protein change: p.Pro411fs; shifts the reading frame from proline 411.
Molecular consequence: frameshift variant.
Genome position (GRCh38, 1-based): chr19:35,720,574-35,720,578, AGCCC duplicated; duplicating any 5 consecutive bases within chr19:35,720,572-35,720,578 gives the same sequence; the c. name uses the placement nearest the transcript's 3' end. VCF-style (leftmost placement, unchanged base first): chr19-35720571-T-TCCAGC. GRCh37 (hg19) VCF-style: chr19-36211473-T-TCCAGC.
Other names: c.1227_1231dupAGCCC (NM_014727.2); short protein forms P411fs.
Identifiers: ClinVar variation 817959 (VCV000817959.2), dbSNP rs1599669836, ClinGen allele CA915953034.

ClinVar aggregate classification (germline): Likely pathogenic (1 of 4 stars; one submission).

Submission:

GeneDx
Classification: Likely pathogenic. Last evaluated: 2020-04-08. Review status: criteria provided, single submitter. Criteria: GeneDx Variant Classification Process June 2021. Collection method: clinical testing. Allele origin: germline. Affected: yes.
Comment: Frameshift variant predicted to result in protein truncation or nonsense mediated decay in a gene for which loss-of-function is a known mechanism of disease; Not observed in large population cohorts (Lek et al., 2016); Has not been previously published as pathogenic or benign to our knowledge